The following is an entry in ClinVar:

NC_000013.11:g.20222821_20531941del

Genes: CRYL1 (crystallin lambda 1; minus strand), GJB6 (gap junction protein beta 6; minus strand), MIR4499 (microRNA 4499; minus strand), LOC112163647 (Sharpr-MPRA regulatory region 6807; plus strand), LOC126861704 (BRD4-independent group 4 enhancer GRCh37_chr13:20953976-20955175; plus strand) and 11 more. Cytogenetic location: 13q12.11.
Variant type: Deletion.
Identifiers: ClinVar variation 2500795 (VCV002500795.1).

ClinVar aggregate classification (germline): Pathogenic (1 of 4 stars; one submission).

Conditions:
Autosomal recessive nonsyndromic hearing loss 1B. Also called: DEAFNESS, AUTOSOMAL RECESSIVE 1B. Identifiers: Orphanet 90636, MedGen C2675235, MONDO:0012977, OMIM 612645.

Submission:

Victorian Clinical Genetics Services, Murdoch Childrens Research Institute
Classification: Pathogenic for Autosomal recessive nonsyndromic hearing loss 1B. Review status: criteria provided, single submitter. Criteria: ACMG Guidelines, 2015. Collection method: clinical testing. Allele origin: maternal. Affected: yes.
Comment: Evidence in support of pathogenic classification: - Variant is predicted to result in a ~309kb deletion encompassing the 5' coding sequence including the canonical translation initiation codon of GJB6 and the adjacent MIR4499 microRNA and CRYL1 gene. This deletion includes the genomic region thought to be critical for normal hearing (PMID:17227867). - Variant is present in gnomAD <0.01 for a recessive condition (4 heterozygotes, 0 homozygotes). - This variant has strong previous evidence of pathogenicity in unrelated individuals. This deletion has been reported multiple times as pathogenic when in trans with a GJB2 pathogenic variant in individuals with hearing loss. It has also been reported pathogenic in a homozygous or compound heterozygous state (ClinVar, OMIM, ClinGen).